The following is an entry in ClinVar:

ClinVar aggregate classification (germline): Uncertain significance. Review status: criteria provided, multiple submitters, no conflicts (2 of 4 stars). 2 submissions from 2 submitters: Uncertain significance (2). Last evaluated 2023-01-20.

Conditions:
TBX1-related disorder. Also called: TBX1-Related Disorders; TBX1-related condition.
DiGeorge syndrome. Also called: Catch22; THIRD AND FOURTH PHARYNGEAL POUCH SYNDROME. Identifiers: Orphanet 567, MedGen C0012236, MONDO:0008564, OMIM 188400.

Allele frequency attached by ClinVar (database versions not stated): gnomAD exomes below 0.00001.
gnomAD v4.1: 1 of 1,571,306 alleles (0.000064%); highest among the groups gnomAD compares: Non-Finnish European, 0.000086%; no homozygotes.

Submissions (2):

PreventionGenetics, part of Exact Sciences
Classification: Uncertain significance for TBX1-related condition. Last evaluated: 2023-01-20. Review status: criteria provided, single submitter. Criteria: ACMG Guidelines, 2015. Collection method: clinical testing. Allele origin: germline.
Comment: The TBX1 c.353C>T variant is predicted to result in the amino acid substitution p.Ala118Val. To our knowledge, this variant has not been reported in the literature or in a large population database, indicating this variant is rare. At this time, the clinical significance of this variant is uncertain due to the absence of conclusive functional and genetic evidence.

Labcorp Genetics (formerly Invitae), Labcorp
Classification: Uncertain significance for DiGeorge syndrome. Last evaluated: 2018-12-04. Review status: criteria provided, single submitter. Criteria: Invitae Variant Classification Sherloc (09022015). Collection method: clinical testing. Allele origin: germline.
Comment: In summary, the available evidence is currently insufficient to determine the role of this variant in disease. Therefore, it has been classified as a Variant of Uncertain Significance. Algorithms developed to predict the effect of sequence changes on RNA splicing suggest that this variant may create or strengthen a splice site, but this prediction has not been confirmed by published transcriptional studies. Algorithms developed to predict the effect of missense changes on protein structure and function are either unavailable or do not agree on the potential impact of this missense change (SIFT: "Deleterious"; PolyPhen-2: "Probably Damaging"; Align-GVGD: "Class C0"). This variant has not been reported in the literature in individuals with TBX1-related conditions. This variant is not present in population databases (ExAC no frequency). This sequence change replaces alanine with valine at codon 118 of the TBX1 protein (p.Ala118Val). The alanine residue is moderately conserved and there is a small physicochemical difference between alanine and valine.

NM_001379200.1(TBX1):c.380C>T (p.Ala127Val)

Gene: TBX1 (T-box transcription factor 1; plus strand). Cytogenetic location: 22q11.21.
Variant type: single nucleotide variant.
Coding change: c.380C>T on transcript NM_001379200.1 (MANE Select); coding-DNA position 380, C replaced by T.
Protein change: p.Ala127Val; replaces alanine 127 with valine.
Molecular consequence: missense variant.
Genome position (GRCh38, 1-based): chr22:19,761,223, C>T. VCF-style: chr22-19761223-C-T. GRCh37 (hg19) VCF-style: chr22-19748746-C-T.
Other names: c.353C>T, p.Ala118Val (NM_005992.1, NM_080646.2, NM_080647.1); short protein forms A118V, A127V.
Identifiers: ClinVar variation 659701 (VCV000659701.9), dbSNP rs1601283489, ClinGen allele CA410681739.